The following is an entry in ClinVar:

ClinVar aggregate classification (germline): Uncertain significance. Review status: criteria provided, multiple submitters, no conflicts (2 of 4 stars). 3 submissions from 3 submitters: Uncertain significance (3). Last evaluated 2025-08-01.

Conditions:
Inborn genetic diseases. Identifiers: MedGen C0950123, MeSH D030342.

Allele frequency attached by ClinVar (database versions not stated): ExAC 0.00001.
gnomAD v4.1: 1 of 1,612,890 alleles (0.000062%); no homozygotes.

Submissions (3):

Ambry Genetics
Classification: Uncertain significance for Inborn genetic diseases. Last evaluated: 2025-08-01. Review status: criteria provided, single submitter. Criteria: Ambry Variant Classification Scheme 2023. Collection method: clinical testing. Allele origin: germline.

Blueprint Genetics
Classification: Uncertain significance. Last evaluated: 2024-06-19. Review status: criteria provided, single submitter. Criteria: ACMG Guidelines, 2015. Collection method: clinical testing. Allele origin: germline.

Labcorp Genetics (formerly Invitae), Labcorp
Classification: Uncertain significance. Last evaluated: 2021-08-30. Review status: criteria provided, single submitter. Criteria: Invitae Variant Classification Sherloc (09022015). Collection method: clinical testing. Allele origin: germline.
Comment: This sequence change replaces arginine with glutamine at codon 44 of the NDUFAF3 protein (p.Arg44Gln). The arginine residue is highly conserved and there is a small physicochemical difference between arginine and glutamine. This variant is present in population databases (rs763854713, ExAC 0.01%). This variant has not been reported in the literature in individuals affected with NDUFAF3-related conditions. Algorithms developed to predict the effect of missense changes on protein structure and function are either unavailable or do not agree on the potential impact of this missense change (SIFT: "Deleterious"; PolyPhen-2: "Probably Damaging"; Align-GVGD: "Class C0"). Algorithms developed to predict the effect of sequence changes on RNA splicing suggest that this variant may create or strengthen a splice site. In summary, the available evidence is currently insufficient to determine the role of this variant in disease. Therefore, it has been classified as a Variant of Uncertain Significance.

NM_199069.2(NDUFAF3):c.131G>A (p.Arg44Gln)

Genes: NDUFAF3 (NADH:ubiquinone oxidoreductase complex assembly factor 3; plus strand), LOC129936730 (ATAC-STARR-seq lymphoblastoid silent region 14350; plus strand). Cytogenetic location: 3p21.31.
Variant type: single nucleotide variant.
Coding change: c.131G>A on transcript NM_199069.2 (MANE Select); coding-DNA position 131, G replaced by A.
Protein change: p.Arg44Gln; replaces arginine 44 with glutamine.
Molecular consequence: missense variant. On other transcripts: 5 prime UTR variant (3).
Genome position (GRCh38, 1-based): chr3:49,022,399, G>A. VCF-style: chr3-49022399-G-A. GRCh37 (hg19) VCF-style: chr3-49059832-G-A.
Other names: c.-41G>A (NM_199070.2, NM_199073.2, NM_199074.2); short protein forms R44Q.
Identifiers: ClinVar variation 970436 (VCV000970436.5), dbSNP rs763854713, ClinGen allele CA2390199.